The following is an entry in ClinVar:

NM_002085.5(GPX4):c.85-420G>A

Genes: GPX4 (glutathione peroxidase 4; plus strand), LOC130062887 (ATAC-STARR-seq lymphoblastoid silent region 9665; plus strand). Cytogenetic location: 19p13.3.
Variant type: single nucleotide variant.
Coding change: c.85-420G>A on transcript NM_002085.5 (MANE Select); 420 bases into the intron before coding-DNA position 85, G replaced by A.
Molecular consequence: intron variant. On other transcripts: missense variant (1).
Genome position (GRCh38, 1-based): chr19:1,104,766, G>A. VCF-style: chr19-1104766-G-A. GRCh37 (hg19) VCF-style: chr19-1104765-G-A.
Other names: c.32G>A, p.Arg11His (NM_001039848.4); c.85-420G>A (NM_001039847.3); c.4-420G>A (NM_001367832.1); c.32G>A (NM_001039848.1); short protein forms R11H.
Identifiers: ClinVar variation 1897086 (VCV001897086.7), dbSNP rs889042141, ClinGen allele CA303993037.

ClinVar aggregate classification (germline): Uncertain significance. Review status: criteria provided, multiple submitters, no conflicts (2 of 4 stars). 2 submissions from 2 submitters: Uncertain significance (2). Last evaluated 2025-11-26.

Conditions:
Inborn genetic diseases. Identifiers: MedGen C0950123, MeSH D030342.

gnomAD v4.1: 8 of 986,962 alleles (0.00081%); highest among the groups gnomAD compares: African/African-American, 0.014%; no homozygotes.

Submissions (2):

Ambry Genetics
Classification: Uncertain significance for Inborn genetic diseases. Last evaluated: 2025-11-26. Review status: criteria provided, single submitter. Criteria: Ambry Variant Classification Scheme 2023. Collection method: clinical testing. Allele origin: germline.

Labcorp Genetics (formerly Invitae), Labcorp
Classification: Uncertain significance. Last evaluated: 2022-02-28. Review status: criteria provided, single submitter. Criteria: Invitae Variant Classification Sherloc (09022015). Collection method: clinical testing. Allele origin: germline.
Comment: In summary, the available evidence is currently insufficient to determine the role of this variant in disease. Therefore, it has been classified as a Variant of Uncertain Significance. Algorithms developed to predict the effect of missense changes on protein structure and function are either unavailable or do not agree on the potential impact of this missense change (SIFT: "Deleterious"; PolyPhen-2: "Not Available"; Align-GVGD: "Class C0"). This variant has not been reported in the literature in individuals affected with GPX4-related conditions. This variant is present in population databases (no rsID available, gnomAD 0.02%). This sequence change replaces arginine, which is basic and polar, with histidine, which is basic and polar, at codon 11 of the GPX4 protein (p.Arg11His).